The following is an entry in ClinVar:

NM_032119.4(ADGRV1):c.8805T>G (p.Thr2935=)

Gene: ADGRV1 (adhesion G protein-coupled receptor V1; plus strand). Cytogenetic location: 5q14.3.
Variant type: single nucleotide variant.
Coding change: c.8805T>G on transcript NM_032119.4 (MANE Select); coding-DNA position 8805, T replaced by G.
Protein change: p.Thr2935=; no amino-acid change (threonine 2935 retained).
Molecular consequence: synonymous variant. On other transcripts: non-coding transcript variant (1).
Genome position (GRCh38, 1-based): chr5:90,708,890, T>G. VCF-style: chr5-90708890-T-G. GRCh37 (hg19) VCF-style: chr5-90004707-T-G.
Identifiers: ClinVar variation 617968 (VCV000617968.8), dbSNP rs1561569406, ClinGen allele CA445409786.

ClinVar aggregate classification (germline): Likely benign (1 of 4 stars; one submission).

Submission:

ARUP Laboratories, Molecular Genetics and Genomics, ARUP Laboratories
Classification: Likely benign. Last evaluated: 2017-09-22. Review status: criteria provided, single submitter. Criteria: ARUP Molecular Germline Variant Investigation Process. Collection method: clinical testing. Allele origin: germline.
Comment: The p.Thr2935Thr variant does not alter the amino acid sequence of the ADGRV1 protein and computational splice site prediction algorithms do not predict a major change in the nearest splice site or creation of a cryptic splice site. This variant has not been reported in association with hearing loss in medical literature or in gene specific variation databases. It is absent from general population databases such as 1000 Genomes, NHLBI GO Exome Sequencing Project (ESP), and the Exome Aggregation Consortium (ExAC) browser. Based on these observations, the p.Thr2935Thr variant is likely to be benign.